The following is an entry in ClinVar:

NM_014727.3(KMT2B):c.380A>G (p.His127Arg)

Gene: KMT2B (lysine methyltransferase 2B; plus strand). Cytogenetic location: 19q13.12.
Variant type: single nucleotide variant.
Coding change: c.380A>G on transcript NM_014727.3 (MANE Select); coding-DNA position 380, A replaced by G.
Protein change: p.His127Arg; replaces histidine 127 with arginine.
Molecular consequence: missense variant.
Genome position (GRCh38, 1-based): chr19:35,719,485, A>G. VCF-style: chr19-35719485-A-G. GRCh37 (hg19) VCF-style: chr19-36210387-A-G.
Other names: short protein forms H127R.
Identifiers: ClinVar variation 4772024 (VCV004772024.1).
Genomic context (GRCh38, chr19:35,719,485, plus strand): 5'-CACTGACTGCTGTTTCTCCCCTCCACCCCGGTCCCCTAAATCAGGAGTTTCAGGGTTTTC[A>G]TTCAGATGAAGATGTGGCCCCCAGTTCCCTGCGCTCTGCGCTCCGATCCCAGCGAGGTGA-3'
Protein context (NP_055542.1, residues 117-137): ESDEEEFQGF[His127Arg]SDEDVAPSSL

ClinVar aggregate classification (germline): Uncertain significance (1 of 4 stars; one submission).

Submission:

Labcorp Genetics (formerly Invitae), Labcorp
Classification: Uncertain significance. Last evaluated: 2025-11-23. Review status: criteria provided, single submitter. Criteria: Invitae Variant Classification Sherloc (09022015). Collection method: clinical testing. Allele origin: germline.
Comment: This sequence change replaces histidine, which is basic and polar, with arginine, which is basic and polar, at codon 127 of the KMT2B protein (p.His127Arg). This variant is not present in population databases (gnomAD no frequency). This variant has not been reported in the literature in individuals affected with KMT2B-related conditions. Invitae Evidence Modeling of protein sequence and biophysical properties (such as structural, functional, and spatial information, amino acid conservation, physicochemical variation, residue mobility, and thermodynamic stability) indicates that this missense variant is not expected to disrupt KMT2B protein function with a negative predictive value of 95%. In summary, the available evidence is currently insufficient to determine the role of this variant in disease. Therefore, it has been classified as a Variant of Uncertain Significance.